The following is an entry in ClinVar:

NM_005359.6(SMAD4):c.478G>C (p.Asp160His)

Gene: SMAD4 (SMAD family member 4; plus strand). Cytogenetic location: 18q21.2.
Variant type: single nucleotide variant.
Coding change: c.478G>C on transcript NM_005359.6 (MANE Select); coding-DNA position 478, G replaced by C.
Protein change: p.Asp160His; replaces aspartic acid 160 with histidine.
Molecular consequence: missense variant.
Genome position (GRCh38, 1-based): chr18:51,054,804, G>C. VCF-style: chr18-51054804-G-C. GRCh37 (hg19) VCF-style: chr18-48581174-G-C.
Other names: c.478G>C, p.Asp160His (NM_001407041.1, NM_001407042.1, NM_001407043.1); short protein forms D160H.
Identifiers: ClinVar variation 1743100 (VCV001743100.2), dbSNP rs1599186807, ClinGen allele CA402460628.

ClinVar aggregate classification (germline): Uncertain significance (1 of 4 stars; one submission).

Conditions:
Familial thoracic aortic aneurysm and aortic dissection (TAAD). Also called: Thoracic aortic aneurysms and dissections. Identifiers: Orphanet 91387, MedGen C4707243, MONDO:0019625.
Hereditary cancer-predisposing syndrome. Also called: Hereditary Cancer Syndrome; Neoplastic Syndromes, Hereditary; Tumor predisposition; Hereditary neoplastic syndrome. Identifiers: Orphanet 140162, MedGen C0027672, MeSH D009386, MONDO:0015356.

Submission:

Ambry Genetics
Classification: Uncertain significance for Hereditary cancer-predisposing syndrome; Familial thoracic aortic aneurysm and aortic dissection. Last evaluated: 2021-06-17. Review status: criteria provided, single submitter. Criteria: Ambry Variant Classification Scheme 2023. Collection method: clinical testing. Allele origin: germline.
Comment: The p.D160H variant (also known as c.478G>C), located in coding exon 4 of the SMAD4 gene, results from a G to C substitution at nucleotide position 478. The aspartic acid at codon 160 is replaced by histidine, an amino acid with similar properties. This amino acid position is highly conserved in available vertebrate species. In addition, this alteration is predicted to be deleterious by in silico analysis. Since supporting evidence is limited at this time, the clinical significance of this alteration remains unclear.